The following is an entry in ClinVar:

ClinVar aggregate classification (germline): Uncertain significance (1 of 4 stars; one submission).

Submission:

Labcorp Genetics (formerly Invitae), Labcorp
Classification: Uncertain significance. Last evaluated: 2022-03-02. Review status: criteria provided, single submitter. Criteria: Invitae Variant Classification Sherloc (09022015). Collection method: clinical testing. Allele origin: germline.
Comment: In summary, the available evidence is currently insufficient to determine the role of this variant in disease. Therefore, it has been classified as a Variant of Uncertain Significance. Experimental studies and prediction algorithms are not available or were not evaluated, and the functional significance of this variant is currently unknown. This variant has not been reported in the literature in individuals affected with C3-related conditions. This variant is a gross deletion of the genomic region encompassing exon(s) 27-35 of the C3 gene. This variant would be expected to be in-frame, preserving the integrity of the reading frame.

NC_000019.9:g.(?_6681932)_(6690758_?)del

Gene: C3 (complement C3; minus strand). Cytogenetic location: 19p13.3.
Variant type: Deletion.
Identifiers: ClinVar variation 2422289 (VCV002422289.4).